The following is an entry in ClinVar:

NM_000161.3(GCH1):c.539A>C (p.Gln180Pro)

Gene: GCH1 (GTP cyclohydrolase 1; minus strand). Cytogenetic location: 14q22.2.
Variant type: single nucleotide variant.
Coding change: c.539A>C on transcript NM_000161.3 (MANE Select); coding-DNA position 539, A replaced by C.
Protein change: p.Gln180Pro; replaces glutamine 180 with proline.
Molecular consequence: missense variant.
Genome position (GRCh38, 1-based): chr14:54,847,101, T>G on the plus strand (A>C on the coding strand, the complement: GCH1 is on the minus strand). VCF-style: chr14-54847101-T-G. GRCh37 (hg19) VCF-style: chr14-55313819-T-G.
Other names: c.539A>C, p.Gln180Pro (NM_001024024.2, NM_001024070.2, NM_001024071.2); short protein forms Q180P.
Identifiers: ClinVar variation 2443531 (VCV002443531.1), dbSNP rs1566660298, ClinGen allele CA389787449.

ClinVar aggregate classification (germline): Likely pathogenic (1 of 4 stars; one submission).

Submission:

GeneDx
Classification: Likely pathogenic. Last evaluated: 2022-09-09. Review status: criteria provided, single submitter. Criteria: GeneDx Variant Classification Process June 2021. Collection method: clinical testing. Allele origin: germline. Affected: yes.
Comment: Not observed at significant frequency in large population cohorts (gnomAD); In silico analysis supports that this missense variant has a deleterious effect on protein structure/function; This variant is associated with the following publications: (PMID: Lee2020[casereport], 19491146)